The following is an entry in ClinVar:

ClinVar aggregate classification (germline): Likely pathogenic (1 of 4 stars; one submission).

Conditions:
Hereditary cancer-predisposing syndrome. Also called: Tumor predisposition; Neoplastic Syndromes, Hereditary; Hereditary neoplastic syndrome; Hereditary Cancer Syndrome. Identifiers: Orphanet 140162, MedGen C0027672, MeSH D009386, MONDO:0015356.

Submission:

Ambry Genetics
Classification: Likely pathogenic for Hereditary cancer-predisposing syndrome. Last evaluated: 2025-09-24. Review status: criteria provided, single submitter. Criteria: Ambry Variant Classification Scheme 2023. Collection method: clinical testing. Allele origin: germline.
Comment: The c.348+5G>C intronic variant results from a G to C substitution 5 nucleotides after coding exon 3 in the MUTYH gene. This nucleotide position is well conserved in available vertebrate species. In silico splice site analysis predicts that this alteration will weaken the native splice donor site. RNA studies have demonstrated that this alteration results in abnormal splicing in the set of samples tested (Ambry internal data). Based on the majority of available evidence to date, this variant is likely to be pathogenic.

NM_001048174.2(MUTYH):c.264+5G>C

Gene: MUTYH (mutY DNA glycosylase; minus strand). Cytogenetic location: 1p34.1.
Variant type: single nucleotide variant.
Coding change: c.264+5G>C on transcript NM_001048174.2 (MANE Select); 5 bases into the intron after coding-DNA position 264, G replaced by C.
Molecular consequence: intron variant.
Genome position (GRCh38, 1-based): chr1:45,333,408, C>G on the plus strand (G>C on the coding strand, the complement: MUTYH is on the minus strand). VCF-style: chr1-45333408-C-G. GRCh37 (hg19) VCF-style: chr1-45799080-C-G.
Other names: c.264+5G>C (NM_001407072.1, NM_001048171.2, NM_001407070.1 and 6 more transcripts); c.-8+5G>C (NM_001350651.2, NM_001350650.2, NM_001407082.1); c.-13+5G>C (NM_001293192.2, NM_001293196.2, NM_001407091.1); c.306+5G>C (NM_001407073.1, NM_001407083.1, NM_001407085.1); c.309+5G>C (NM_001293190.2); c.339+5G>C (NM_001407069.1, NM_012222.3); c.348+5G>C (NM_001128425.2); c.267+5G>C (NM_001407071.1, NM_001407079.1, NM_001048172.2 and 2 more transcripts); and 3 more.
Identifiers: ClinVar variation 4112899 (VCV004112899.2).